The following is an entry in ClinVar:

ClinVar aggregate classification (germline): Uncertain significance (1 of 4 stars; one submission).

Allele frequency attached by ClinVar (database versions not stated): gnomAD exomes below 0.00001.
gnomAD v4.1: 1 of 1,614,190 alleles (0.000062%); highest among the groups gnomAD compares: Non-Finnish European, 0.000085%; no homozygotes.

Submission:

Ambry Genetics
Classification: Uncertain significance. Last evaluated: 2024-11-11. Review status: criteria provided, single submitter. Criteria: Ambry Variant Classification Scheme 2023. Collection method: clinical testing. Allele origin: germline.
Comment: The p.E765G variant (also known as c.2294A>G), located in coding exon 1 of the MLH3 gene, results from an A to G substitution at nucleotide position 2294. The glutamic acid at codon 765 is replaced by glycine, an amino acid with similar properties. This amino acid position is conserved. In addition, this alteration is predicted to be tolerated by in silico analysis. Since supporting evidence is limited at this time, the clinical significance of this alteration remains unclear.

NM_001040108.2(MLH3):c.2294A>G (p.Glu765Gly)

Gene: MLH3 (mutL homolog 3; minus strand). Cytogenetic location: 14q24.3.
Variant type: single nucleotide variant.
Coding change: c.2294A>G on transcript NM_001040108.2 (MANE Select); coding-DNA position 2294, A replaced by G.
Protein change: p.Glu765Gly; replaces glutamic acid 765 with glycine.
Molecular consequence: missense variant.
Genome position (GRCh38, 1-based): chr14:75,047,362, T>C on the plus strand (A>G on the coding strand, the complement: MLH3 is on the minus strand). VCF-style: chr14-75047362-T-C. GRCh37 (hg19) VCF-style: chr14-75514065-T-C.
Other names: c.2294A>G, p.Glu765Gly (NM_014381.3); short protein forms E765G.
Identifiers: ClinVar variation 1789145 (VCV001789145.3), dbSNP rs2503273675, ClinGen allele CA390441015.